The following is an entry in ClinVar:

ClinVar aggregate classification (germline): Uncertain significance (1 of 4 stars; one submission).

Submission:

Labcorp Genetics (formerly Invitae), Labcorp
Classification: Uncertain significance. Last evaluated: 2023-10-05. Review status: criteria provided, single submitter. Criteria: Invitae Variant Classification Sherloc (09022015). Collection method: clinical testing. Allele origin: germline.
Comment: This variant, c.182_190del, results in the deletion of 3 amino acid(s) of the MFAP5 protein (p.Val61_Ala63del), but otherwise preserves the integrity of the reading frame. This variant is not present in population databases (gnomAD no frequency). This variant has not been reported in the literature in individuals affected with MFAP5-related conditions. Experimental studies and prediction algorithms are not available or were not evaluated, and the functional significance of this variant is currently unknown. Algorithms developed to predict the effect of sequence changes on RNA splicing suggest that this variant may disrupt the consensus splice site. In summary, the available evidence is currently insufficient to determine the role of this variant in disease. Therefore, it has been classified as a Variant of Uncertain Significance.

NM_001297711.2(MFAP5):c.172+943_172+951del

Gene: MFAP5 (microfibril associated protein 5; minus strand). Cytogenetic location: 12p13.31.
Variant type: Microsatellite.
Coding change: c.172+943_172+951del on transcript NM_001297711.2; bases 943 to 951 of the intron after coding-DNA position 172, 9 bases deleted (TTTTGGCTG; older notation c.172+943_172+951delTTTTGGCTG).
Molecular consequence: intron variant.
Genome position (GRCh38, 1-based): chr12:8,654,464-8,654,472, CAGCCAAAA deleted on the plus strand (TTTTGGCTG on the coding strand, the reverse complement: MFAP5 is on the minus strand); deleting any 9 consecutive bases within chr12:8,654,464-8,654,482 gives the same sequence; the c. name uses the placement nearest the transcript's 3' end. VCF-style (leftmost placement, unchanged base first): chr12-8654463-TCAGCCAAAA-T. GRCh37 (hg19) VCF-style: chr12-8807059-TCAGCCAAAA-T.
Identifiers: ClinVar variation 2873961 (VCV002873961.3), dbSNP rs2540297242, ClinGen allele CA2575070453.
Genomic context (GRCh38, chr12:8,654,463, plus strand): 5'-CCTGATGACCTGGGGGTCCCAGATCTGAACTCACCCAAGTCATCTGTGGAAGGTGCAATA[TCAGCCAAAA>T]CAGCCAAAACTGAAAAGGCACAAAACAGCAGGTATGAGGAGGGCTTCAAATTGCAAACAC-3'